The following is an entry in ClinVar:

ClinVar aggregate classification (germline): Uncertain significance (1 of 4 stars; one submission).

gnomAD v4.1: 6 of 1,613,682 alleles (0.00037%); highest among the groups gnomAD compares: Non-Finnish European, 0.000085%; no homozygotes.

Submission:

Clinical Genomics Laboratory, Washington University in St. Louis
Classification: Uncertain significance. Last evaluated: 2024-08-08. Review status: criteria provided, single submitter. Criteria: ACMG Guidelines, 2015. Collection method: clinical testing. Allele origin: germline.
Comment: The CSMD1 c.3582C>G (p.Phe1194Leu) variant, to our knowledge, has not been reported in the medical literature. This variant is only observed on 3/249,152 alleles in the general population (gnomAD v.2.1.1), indicating it is not a common variant. Computational predictors are uncertain as to the impact of this variant on CSMD1 function. Due to limited information, the clinical significance of this variant is uncertain.

NM_033225.6(CSMD1):c.3582C>G (p.Phe1194Leu)

Gene: CSMD1 (CUB and Sushi multiple domains 1; minus strand). Cytogenetic location: 8p23.2.
Variant type: single nucleotide variant.
Coding change: c.3582C>G on transcript NM_033225.6 (MANE Select); coding-DNA position 3582, C replaced by G.
Protein change: p.Phe1194Leu; replaces phenylalanine 1194 with leucine.
Molecular consequence: missense variant.
Genome position (GRCh38, 1-based): chr8:3,343,343, G>C on the plus strand (C>G on the coding strand, the complement: CSMD1 is on the minus strand). VCF-style: chr8-3343343-G-C. GRCh37 (hg19) VCF-style: chr8-3200865-G-C.
Other names: short protein forms F1194L.
Identifiers: ClinVar variation 3600509 (VCV003600509.1).